The following is an entry in ClinVar:

ClinVar aggregate classification (germline): Benign/Likely benign. Review status: criteria provided, multiple submitters, no conflicts (2 of 4 stars). 3 submissions from 3 submitters: Benign (1); Likely benign (1). 1 of the submissions does not count toward it. Last evaluated 2022-11-21.

Conditions:
CACNA1H-related disorder.
Hyperaldosteronism, familial, type IV (HALD4). Also called: FH IV; ALDOSTERONISM, PRIMARY, AND HYPERTENSION. Identifiers: Orphanet 642671, MedGen C4310756, MONDO:0014875, OMIM 617027.
Idiopathic generalized epilepsy. Also called: Generalised epilepsy; EIG. Identifiers: MedGen C0270850, MONDO:0005579, OMIM 600669.
Epilepsy, childhood absence, susceptibility to, 6. Identifiers: Orphanet 64280, MedGen C2749872, MONDO:0012763, OMIM 611942.

Allele frequency attached by ClinVar (database versions not stated): gnomAD exomes 0.00004 and 0.00012; ESP Exome Variant Server 0.00008; gnomAD 0.00011 and 0.00014; TOPMed 0.00013; ExAC 0.00022; 1000 Genomes Project 30x 0.00047; 1000 Genomes Project 0.00060.
gnomAD v4.1: 72 of 1,556,304 alleles (0.0046%); highest among the groups gnomAD compares: East Asian, 0.063%; no homozygotes.

Submissions (3):

Labcorp Genetics (formerly Invitae), Labcorp
Classification: Benign for Idiopathic generalized epilepsy; Hyperaldosteronism, familial, type IV. Last evaluated: 2022-11-21. Review status: criteria provided, single submitter. Criteria: Invitae Variant Classification Sherloc (09022015). Collection method: clinical testing. Allele origin: germline.

Fulgent Genetics
Classification: Likely benign for Epilepsy, childhood absence, susceptibility to, 6; Hyperaldosteronism, familial, type IV. Last evaluated: 2021-12-29. Review status: criteria provided, single submitter. Criteria: ACMG Guidelines, 2015. Collection method: clinical testing. Allele origin: unknown.

PreventionGenetics, part of Exact Sciences
Classification: Likely benign for CACNA1H-related condition. Last evaluated: 2019-09-20. Review status: no assertion criteria provided. Collection method: clinical testing. Allele origin: germline. Not counted in ClinVar's aggregate classification.
Comment: This variant is classified as likely benign based on ACMG/AMP sequence variant interpretation guidelines (Richards et al. 2015 PMID: 25741868, with internal and published modifications).

NM_021098.3(CACNA1H):c.1167C>T (p.Asp389=)

Gene: CACNA1H (calcium voltage-gated channel subunit alpha1 H; plus strand). Cytogenetic location: 16p13.3.
Variant type: single nucleotide variant.
Coding change: c.1167C>T on transcript NM_021098.3 (MANE Select); coding-DNA position 1167, C replaced by T.
Protein change: p.Asp389=; no amino-acid change (aspartic acid 389 retained).
Molecular consequence: synonymous variant.
Genome position (GRCh38, 1-based): chr16:1,200,763, C>T. VCF-style: chr16-1200763-C-T. GRCh37 (hg19) VCF-style: chr16-1250763-C-T.
Other names: c.1167C>T, p.Asp389= (NM_001005407.2); c.1167C>T (NM_021098.2).
Identifiers: ClinVar variation 1170589 (VCV001170589.12), dbSNP rs41292281, ClinGen allele CA7799831.